The following is an entry in ClinVar:

ClinVar aggregate classification (germline): Uncertain significance (1 of 4 stars; one submission).

Conditions:
Amyotrophic lateral sclerosis type 6. Also called: FUS-Related Amyotrophic Laterial Sclerosis; AMYOTROPHIC LATERAL SCLEROSIS 6 WITHOUT FRONTOTEMPORAL DEMENTIA; Amyotrophic lateral sclerosis 6, with or without frontotemporal dementia. Identifiers: Orphanet 275872, Orphanet 803, MedGen C2931786, MONDO:0011951, OMIM 608030.
Tremor, hereditary essential, 4 (ETM4). Identifiers: MedGen C3539195, MONDO:0013888, OMIM 614782.

Submission:

Labcorp Genetics (formerly Invitae), Labcorp
Classification: Uncertain significance for Tremor, hereditary essential, 4; Amyotrophic lateral sclerosis type 6. Last evaluated: 2025-06-12. Review status: criteria provided, single submitter. Criteria: Invitae Variant Classification Sherloc (09022015). Collection method: clinical testing. Allele origin: germline.
Comment: This variant, c.646_669del, results in the deletion of 8 amino acid(s) of the FUS protein (p.Arg216_Gly223del), but otherwise preserves the integrity of the reading frame. This variant is not present in population databases (gnomAD no frequency). This variant has not been reported in the literature in individuals affected with FUS-related conditions. ClinVar contains an entry for this variant (Variation ID: 2923277). Experimental studies and prediction algorithms are not available or were not evaluated, and the functional significance of this variant is currently unknown. In summary, the available evidence is currently insufficient to determine the role of this variant in disease. Therefore, it has been classified as a Variant of Uncertain Significance.

NM_004960.4(FUS):c.646_669del (p.Arg216_Gly223del)

Gene: FUS (FUS RNA binding protein; plus strand). Cytogenetic location: 16p11.2.
Variant type: Deletion.
Coding change: c.646_669del on transcript NM_004960.4 (MANE Select); coding-DNA positions 646 to 669, 24 bases deleted (CGCGGCAGGGGTGGCAGTGGTGGC).
Protein change: p.Arg216_Gly223del.
Molecular consequence: inframe deletion. On other transcripts: non-coding transcript variant (1).
Genome position (GRCh38, 1-based): chr16:31,185,061-31,185,084, CGCGGCAGGGGTGGCAGTGGTGGC deleted; deleting any 24 consecutive bases within chr16:31,185,058-31,185,084 gives the same sequence; the c. name uses the placement nearest the transcript's 3' end. VCF-style (leftmost placement, unchanged base first): chr16-31185057-AGGCCGCGGCAGGGGTGGCAGTGGT-A. GRCh37 (hg19) VCF-style: chr16-31196378-AGGCCGCGGCAGGGGTGGCAGTGGT-A.
Other names: c.643_666del, p.Arg215_Gly222del (NM_001170634.1); c.634_657del, p.Arg212_Gly219del (NM_001170937.1).
Identifiers: ClinVar variation 2923277 (VCV002923277.3), dbSNP rs1374114505, ClinGen allele CA719930580.